The following is an entry in ClinVar:

ClinVar aggregate classification (germline): Uncertain significance (1 of 4 stars; one submission).

Conditions:
KIDINS220-related disorder. Also called: KIDINS220-related condition.

gnomAD v4.1: 1 of 1,610,528 alleles (0.000062%); highest among the groups gnomAD compares: Admixed American, 0.0017%; no homozygotes.

Submission:

PreventionGenetics, part of Exact Sciences
Classification: Uncertain significance for KIDINS220-related condition. Last evaluated: 2025-04-16. Review status: criteria provided, single submitter. Criteria: ACMG Guidelines, 2015. Collection method: clinical testing. Allele origin: germline.
Comment: The KIDINS220 c.544C>T variant is predicted to result in the amino acid substitution p.His182Tyr. To our knowledge, this variant has not been reported in the literature or in a large population database (gnomAD), indicating this variant is rare. At this time, the clinical significance of this variant is uncertain due to the absence of conclusive functional and genetic evidence.

NM_020738.4(KIDINS220):c.544C>T (p.His182Tyr)

Gene: KIDINS220 (kinase D interacting substrate 220; minus strand). Cytogenetic location: 2p25.1.
Variant type: single nucleotide variant.
Coding change: c.544C>T on transcript NM_020738.4 (MANE Select); coding-DNA position 544, C replaced by T.
Protein change: p.His182Tyr; replaces histidine 182 with tyrosine.
Molecular consequence: missense variant. On other transcripts: non-coding transcript variant (2).
Genome position (GRCh38, 1-based): chr2:8,806,330, G>A on the plus strand (C>T on the coding strand, the complement: KIDINS220 is on the minus strand). VCF-style: chr2-8806330-G-A. GRCh37 (hg19) VCF-style: chr2-8946460-G-A.
Other names: c.547C>T, p.His183Tyr (NM_001348729.2, NM_001348731.2, NM_001348734.2 and 3 more transcripts); c.544C>T, p.His182Tyr (NM_001348732.2, NM_001348735.2, NM_001348738.2 and 3 more transcripts); c.418C>T, p.His140Tyr (NM_001348736.2); short protein forms H140Y, H182Y, H183Y.
Identifiers: ClinVar variation 4997381 (VCV004997381.1).